The following is an entry in ClinVar:

ClinVar aggregate classification (germline): Uncertain significance (1 of 4 stars; one submission).

gnomAD v4.1: 1 of 1,584,728 alleles (0.000063%); highest among the groups gnomAD compares: South Asian, 0.0011%; no homozygotes.

Submission:

Ambry Genetics
Classification: Uncertain significance. Last evaluated: 2026-04-19. Review status: criteria provided, single submitter. Criteria: Ambry Variant Classification Scheme 2023. Collection method: clinical testing. Allele origin: germline.
Comment: The p.P1718S variant (also known as c.5152C>T), located in coding exon 22 of the WNK2 gene, results from a C to T substitution at nucleotide position 5152. The proline at codon 1718 is replaced by serine, an amino acid with similar properties. This amino acid position is conserved. In addition, this alteration is predicted to be tolerated by in silico analysis. Based on the available evidence, the clinical significance of this variant remains unclear.

NM_006648.4(WNK2):c.5152C>T (p.Pro1718Ser)

Gene: WNK2 (WNK lysine deficient protein kinase 2; plus strand). Cytogenetic location: 9q22.31.
Variant type: single nucleotide variant.
Coding change: c.5152C>T on transcript NM_006648.4 (MANE Select); coding-DNA position 5152, C replaced by T.
Protein change: p.Pro1718Ser; replaces proline 1718 with serine.
Molecular consequence: missense variant.
Genome position (GRCh38, 1-based): chr9:93,292,617, C>T. VCF-style: chr9-93292617-C-T. GRCh37 (hg19) VCF-style: chr9-96054899-C-T.
Other names: c.5263C>T, p.Pro1755Ser (NM_001282394.3); short protein forms P1718S, P1755S.
Identifiers: ClinVar variation 4866603 (VCV004866603.1).